The following is an entry in ClinVar:

ClinVar aggregate classification (germline): Uncertain significance. Review status: criteria provided, multiple submitters, no conflicts (2 of 4 stars). 4 submissions from 4 submitters: Uncertain significance (4). Last evaluated 2025-06-16.

Conditions:
Hereditary breast ovarian cancer syndrome. Also called: Hereditary breast and ovarian cancer; Hereditary breast and ovarian cancer syndrome (HBOC); Hereditary breast and/or ovarian cancer syndrome; Hereditary breast and ovarian cancer syndrome; Breast and ovarian cancer; BRCA1- and BRCA2-Associated Hereditary Breast and Ovarian Cancer. Identifiers: Orphanet 145, MedGen C0677776, MeSH D061325, MONDO:0003582. Disease mechanism: loss of function.
Breast-ovarian cancer, familial, susceptibility to, 2 (BROVCA2). Also called: BRCA2 Hereditary Breast and Ovarian Cancer. Identifiers: Orphanet 145, MedGen C2675520, MONDO:0012933, OMIM 612555. Disease mechanism: loss of function.
Hereditary cancer-predisposing syndrome. Also called: Tumor predisposition; Neoplastic Syndromes, Hereditary; Hereditary Cancer Syndrome; Hereditary neoplastic syndrome. Identifiers: Orphanet 140162, MedGen C0027672, MeSH D009386, MONDO:0015356.

Allele frequency attached by ClinVar (database versions not stated): gnomAD exomes below 0.00001.
gnomAD v4.1: 3 of 1,613,512 alleles (0.00019%); highest among the groups gnomAD compares: African/African-American, 0.0013%; no homozygotes.

Submissions (4):

Ambry Genetics
Classification: Uncertain significance for Hereditary cancer-predisposing syndrome. Last evaluated: 2025-06-16. Review status: criteria provided, single submitter. Criteria: Ambry Variant Classification Scheme 2023. Collection method: clinical testing. Allele origin: germline.
Comment: The p.D2965V variant (also known as c.8894A>T), located in coding exon 21 of the BRCA2 gene, results from an A to T substitution at nucleotide position 8894. The aspartic acid at codon 2965 is replaced by valine, an amino acid with highly dissimilar properties. The results from two saturation genome editing-based studies, including a haploid cell-survival assay and a humanized mouse embryonic stem cell line assay of drug response and survival, are discordant for this nucleotide substitution (Huang H et al. Nature. 2025 Feb;638(8050):528-537; Sahu S et al. Nature. 2025 Feb;638(8050):538-545). This amino acid position is well conserved in available vertebrate species. In addition, the in silico prediction for this alteration is inconclusive. Based on the available evidence, the clinical significance of this variant remains unclear.

Labcorp Genetics (formerly Invitae), Labcorp
Classification: Uncertain significance for Hereditary breast ovarian cancer syndrome. Last evaluated: 2024-04-17. Review status: criteria provided, single submitter. Criteria: Invitae Variant Classification Sherloc (09022015). Collection method: clinical testing. Allele origin: germline.
Comment: This sequence change replaces aspartic acid, which is acidic and polar, with valine, which is neutral and non-polar, at codon 2965 of the BRCA2 protein (p.Asp2965Val). This variant is not present in population databases (gnomAD no frequency). This variant has not been reported in the literature in individuals affected with BRCA2-related conditions. ClinVar contains an entry for this variant (Variation ID: 630026). Advanced modeling of protein sequence and biophysical properties (such as structural, functional, and spatial information, amino acid conservation, physicochemical variation, residue mobility, and thermodynamic stability) performed at Invitae indicates that this missense variant is not expected to disrupt BRCA2 protein function with a negative predictive value of 95%. In summary, the available evidence is currently insufficient to determine the role of this variant in disease. Therefore, it has been classified as a Variant of Uncertain Significance.

Color Diagnostics, LLC DBA Color Health
Classification: Uncertain significance for Hereditary cancer-predisposing syndrome. Last evaluated: 2023-12-04. Review status: criteria provided, single submitter. Criteria: ACMG Guidelines, 2015. Collection method: clinical testing. Allele origin: germline.
Comment: This missense variant replaces aspartic acid with valine at codon 2965 of the BRCA2 protein. Computational prediction is inconclusive regarding the impact of this variant on protein structure and function (internally defined REVEL score threshold 0.5 < inconclusive < 0.7, PMID: 27666373). To our knowledge, functional studies have not been reported for this variant. This variant has not been reported in individuals affected with BRCA2-related disorders in the literature. This variant has not been identified in the general population by the Genome Aggregation Database (gnomAD). The available evidence is insufficient to determine the role of this variant in disease conclusively. Therefore, this variant is classified as a Variant of Uncertain Significance.

KCCC/NGS Laboratory, Kuwait Cancer Control Center
Classification: Uncertain significance for Breast-ovarian cancer, familial, susceptibility to, 2. Last evaluated: 2023-06-06. Review status: criteria provided, single submitter. Criteria: ACMG Guidelines, 2015. Collection method: clinical testing. Allele origin: germline. Affected: yes.
Comment: This sequence change replaces aspartic acid with valine at codon 2965 of the BRCA2 protein (p.Asp2965Val). The aspartic acid residue is highly conserved and there is a large physicochemical difference between aspartic acid and valine. This variant is not present in population databases (ExAC no frequency). This variant has not been reported in the literature in individuals with BRCA2-related conditions. ClinVar contains an entry for this variant (Variation ID: 630026) with 2 submissions: uncertain significance, no conflicts. In-silico predictions show pathogenic computational verdict based on 5 pathogenic predictions from BayesDel_addAF, FATHMM-MKL, M-CAP, MutationTaster and SIFT vs 4 benign predictions from DANN, EIGEN, MVP and PrimateAI.. Therefore, it has been classified as a Variant of Uncertain Significance.

NM_000059.4(BRCA2):c.8894A>T (p.Asp2965Val)

Gene: BRCA2 (BRCA2 DNA repair associated; plus strand). Cytogenetic location: 13q13.1.
Variant type: single nucleotide variant.
Coding change: c.8894A>T on transcript NM_000059.4 (MANE Select); coding-DNA position 8894, A replaced by T.
Protein change: p.Asp2965Val; replaces aspartic acid 2965 with valine.
Molecular consequence: missense variant.
Genome position (GRCh38, 1-based): chr13:32,379,456, A>T. VCF-style: chr13-32379456-A-T. GRCh37 (hg19) VCF-style: chr13-32953593-A-T.
Other names: short protein forms D2965V.
Identifiers: ClinVar variation 630026 (VCV000630026.16), dbSNP rs767481384, ClinGen allele CA387756517.